The following is an entry in ClinVar:

ClinVar aggregate classification (germline): Conflicting classifications of pathogenicity. Review status: criteria provided, conflicting classifications (1 of 4 stars). 2 submissions from 2 submitters: Likely pathogenic (1); Uncertain significance (1). Last evaluated 2025-03-04.

Conditions:
Leukodystrophy, hypomyelinating, 7, with or without oligodontia and/or hypogonadotropic hypogonadism (HLD7). Also called: LEUKOENCEPHALOPATHY, HYPOMYELINATING, WITH ATAXIA AND DELAYED DENTITION; ATAXIA, DELAYED DENTITION, AND HYPOMYELINATION; LEUKODYSTROPHY, HYPOMYELINATING, 7, WITH OLIGODONTIA; LEUKODYSTROPHY, HYPOMYELINATING, 7, WITH OLIGODONTIA AND HYPOGONADOTROPIC HYPOGONADISM; LEUKODYSTROPHY, HYPOMYELINATING, 7, WITHOUT OLIGODONTIA OR HYPOGONADOTROPIC HYPOGONADISM; Ataxia, Delayed Dentition and Hypomyelination (ADDH). Identifiers: Orphanet 137639, Orphanet 447893, Orphanet 447896, Orphanet 77295, Orphanet 88637, MedGen CN034185, MONDO:0011897, OMIM 607694.

Allele frequency attached by ClinVar (database versions not stated): gnomAD exomes below 0.00001 and 0.00001; TOPMed below 0.00001; gnomAD 0.00001; ExAC 0.00002.
gnomAD v4.1: 4 of 1,613,926 alleles (0.00025%); highest among the groups gnomAD compares: Admixed American, 0.0017%; no homozygotes.

Submissions (2):

Institute of Human Genetics, University of Leipzig Medical Center
Classification: Likely pathogenic for Leukodystrophy, hypomyelinating, 7, with or without oligodontia and/or hypogonadotropic hypogonadism. Last evaluated: 2025-03-04. Review status: criteria provided, single submitter. Criteria: ACMG Guidelines, 2015. Collection method: clinical testing. Allele origin: unknown. Inheritance: Autosomal recessive inheritance. Affected: yes.
Comment: Criteria applied: PM2,PM3,PP2,PP3

GeneDx
Classification: Uncertain significance. Last evaluated: 2018-05-15. Review status: criteria provided, single submitter. Criteria: GeneDx Variant Classification (06012015). Collection method: clinical testing. Allele origin: germline. Affected: yes.
Comment: The R464W variant in the POLR3A gene has not been reported previously as a pathogenic variant, nor as a benign variant, to our knowledge. The R464W variant is not observed at a significant frequency in large population cohorts (Lek et al., 2016). The R464W variant is a non-conservative amino acid substitution, which is likely to impact secondary protein structure as these residues differ in polarity, charge, size and/or other properties. In-silico analyses, including protein predictors and evolutionary conservation, support a deleterious effect. We interpret R464W as a variant of uncertain significance.

NM_007055.4(POLR3A):c.1390C>T (p.Arg464Trp)

Gene: POLR3A (RNA polymerase III subunit A; minus strand). Cytogenetic location: 10q22.3.
Variant type: single nucleotide variant.
Coding change: c.1390C>T on transcript NM_007055.4 (MANE Select); coding-DNA position 1390, C replaced by T.
Protein change: p.Arg464Trp; replaces arginine 464 with tryptophan.
Molecular consequence: missense variant.
Genome position (GRCh38, 1-based): chr10:78,017,616, G>A on the plus strand (C>T on the coding strand, the complement: POLR3A is on the minus strand). VCF-style: chr10-78017616-G-A. GRCh37 (hg19) VCF-style: chr10-79777374-G-A.
Other names: short protein forms R464W.
Identifiers: ClinVar variation 546324 (VCV000546324.3), dbSNP rs771732436, ClinGen allele CA5571459.